The following is an entry in ClinVar:

NM_004656.4(BAP1):c.1780G>C (p.Gly594Arg)

Gene: BAP1 (BRCA1 associated deubiquitinase 1; minus strand). Cytogenetic location: 3p21.1.
Variant type: single nucleotide variant.
Coding change: c.1780G>C on transcript NM_004656.4 (MANE Select); coding-DNA position 1780, G replaced by C.
Protein change: p.Gly594Arg; replaces glycine 594 with arginine.
Molecular consequence: missense variant.
Genome position (GRCh38, 1-based): chr3:52,403,248, C>G on the plus strand (G>C on the coding strand, the complement: BAP1 is on the minus strand). VCF-style: chr3-52403248-C-G. GRCh37 (hg19) VCF-style: chr3-52437264-C-G.
Other names: c.1780G>C (NM_004656.2); short protein forms G594R.
Identifiers: ClinVar variation 630078 (VCV000630078.11), dbSNP rs1559586025, ClinGen allele CA353098933.

ClinVar aggregate classification (germline): Conflicting classifications of pathogenicity. Review status: criteria provided, conflicting classifications (1 of 4 stars). 4 submissions from 4 submitters: Uncertain significance (3); Likely benign (1). Last evaluated 2026-06-17.

Conditions:
BAP1-related tumor predisposition syndrome (TPDS1). Also called: BAP1 tumor predisposition syndrome; TUMOR PREDISPOSITION SYNDROME 1; Tumor susceptibility linked to germline BAP1 mutations; COMMON Syndrome. Identifiers: Orphanet 289539, MedGen C3280492, MONDO:0013692, OMIM 614327.
Hereditary cancer-predisposing syndrome. Also called: Neoplastic Syndromes, Hereditary; Hereditary Cancer Syndrome; Hereditary neoplastic syndrome; Tumor predisposition. Identifiers: Orphanet 140162, MedGen C0027672, MeSH D009386, MONDO:0015356.

Submissions (4):

Ambry Genetics
Classification: Likely benign for Hereditary cancer-predisposing syndrome. Last evaluated: 2026-06-17. Review status: criteria provided, single submitter. Criteria: Ambry Variant Classification Scheme 2023. Collection method: clinical testing. Allele origin: germline.

Color Diagnostics, LLC DBA Color Health
Classification: Uncertain significance for Hereditary cancer-predisposing syndrome. Last evaluated: 2023-12-05. Review status: criteria provided, single submitter. Criteria: ACMG Guidelines, 2015. Collection method: clinical testing. Allele origin: germline.
Comment: This missense variant replaces glycine with arginine at codon 594 of the BAP1 protein. Computational prediction suggests that this variant may not impact protein structure and function (internally defined REVEL score threshold <= 0.5, PMID: 27666373). To our knowledge, functional studies have not been reported for this variant. This variant has not been reported in individuals affected with BAP1-related disorders in the literature. This variant has not been identified in the general population by the Genome Aggregation Database (gnomAD). The available evidence is insufficient to determine the role of this variant in disease conclusively. Therefore, this variant is classified as a Variant of Uncertain Significance.

Baylor Genetics
Classification: Uncertain significance for BAP1-related tumor predisposition syndrome. Last evaluated: 2023-07-20. Review status: criteria provided, single submitter. Criteria: ACMG Guidelines, 2015. Collection method: clinical testing. Allele origin: unknown.

Labcorp Genetics (formerly Invitae), Labcorp
Classification: Uncertain significance for BAP1-related tumor predisposition syndrome. Last evaluated: 2022-12-09. Review status: criteria provided, single submitter. Criteria: Invitae Variant Classification Sherloc (09022015). Collection method: clinical testing. Allele origin: germline.
Comment: In summary, the available evidence is currently insufficient to determine the role of this variant in disease. Therefore, it has been classified as a Variant of Uncertain Significance. Advanced modeling of protein sequence and biophysical properties (such as structural, functional, and spatial information, amino acid conservation, physicochemical variation, residue mobility, and thermodynamic stability) performed at Invitae indicates that this missense variant is not expected to disrupt BAP1 protein function. ClinVar contains an entry for this variant (Variation ID: 630078). This variant has not been reported in the literature in individuals affected with BAP1-related conditions. This variant is not present in population databases (gnomAD no frequency). This sequence change replaces glycine, which is neutral and non-polar, with arginine, which is basic and polar, at codon 594 of the BAP1 protein (p.Gly594Arg).